The following is an entry in ClinVar:

NM_000428.3(LTBP2):c.4313G>A (p.Cys1438Tyr)

Gene: LTBP2 (latent transforming growth factor beta binding protein 2; minus strand). Cytogenetic location: 14q24.3.
Variant type: single nucleotide variant.
Coding change: c.4313G>A on transcript NM_000428.3 (MANE Select); coding-DNA position 4313, G replaced by A.
Protein change: p.Cys1438Tyr; replaces cysteine 1438 with tyrosine.
Molecular consequence: missense variant.
Genome position (GRCh38, 1-based): chr14:74,505,039, C>T on the plus strand (G>A on the coding strand, the complement: LTBP2 is on the minus strand). VCF-style: chr14-74505039-C-T. GRCh37 (hg19) VCF-style: chr14-74971742-C-T.
Other names: short protein forms C1438Y.
Identifiers: ClinVar variation 31630 (VCV000031630.3), dbSNP rs387907175, ClinGen allele CA129853.

ClinVar aggregate classification (germline): Likely pathogenic. Review status: criteria provided, multiple submitters, no conflicts (2 of 4 stars). 3 submissions from 3 submitters: Likely pathogenic (2). 1 of the submissions does not count toward it. Last evaluated 2024-03-17.

Conditions:
Glaucoma 3, primary congenital, D. Identifiers: Orphanet 98976, MedGen C2751316, MONDO:0013122, OMIM 613086.
Microspherophakia. Identifiers: MedGen C1562061, HP:0030961.
Microspherophakia and/or megalocornea, with ectopia lentis and with or without secondary glaucoma (MSPKA). Identifiers: Orphanet 238763, MedGen C3538951, MONDO:0009633, OMIM 251750.

Submissions (3):

Genomic Medicine Center of Excellence, King Faisal Specialist Hospital and Research Centre
Classification: Likely pathogenic for Glaucoma 3, primary congenital, D. Last evaluated: 2024-03-17. Review status: criteria provided, single submitter. Criteria: ACMG Guidelines, 2015. Collection method: research. Allele origin: germline.

Neuberg Centre For Genomic Medicine, NCGM
Classification: Likely pathogenic for Microspherophakia and/or megalocornea, with ectopia lentis and with or without secondary glaucoma. Review status: criteria provided, single submitter. Criteria: ACMG Guidelines, 2015. Collection method: clinical testing. Allele origin: germline. Inheritance: Autosomal recessive inheritance. Affected: yes.
Comment: The missense variant p.C1438Y in LTBP2 (NM_000428.3) has been reported previously in individuals with Microspherophakia and/or Megalocornea, with Ectopia lentis and with or without Secondary Glaucoma ( Khan et al, 2011 ). The p.C1438Y variant is novel (not in any individuals) in gnomAD Exomes and is novel (not in any individuals) in 1000 Genomes. There is a large physicochemical difference between cysteine and tyrosine, which is likely to impact secondary protein structure as these residues differ in polarity, charge, size and/or other properties. The p.C1438Y missense variant is predicted to be damaging by both SIFT and PolyPhen2. The cysteine residue at codon 1438 of LTBP2 is conserved in all mammalian species. The nucleotide c.4313 in LTBP2 is predicted conserved by GERP++ and PhyloP across 100 vertebrates. For these reasons, this variant has been classified as Likely Pathogenic

OMIM
Classification: Pathogenic for MICROSPHEROPHAKIA AND/OR MEGALOCORNEA, WITH ECTOPIA LENTIS AND WITH OR WITHOUT SECONDARY GLAUCOMA. Last evaluated: 2011-01-01. Review status: no assertion criteria provided. Collection method: literature only. Allele origin: germline. Not counted in ClinVar's aggregate classification.

Literature cited by the submitters: PubMed 22025892 (cited by OMIM).